The following is an entry in ClinVar:

ClinVar aggregate classification (germline): Likely benign. Review status: criteria provided, single submitter (1 of 4 stars). 2 submissions from 2 submitters: Likely benign (1). 1 of the submissions does not count toward it. Last evaluated 2025-06-16.

Conditions:
Familial hemophagocytic lymphohistiocytosis 4 (FHL4). Also called: STX11-Related Familial Hemophagocytic Lymphohistiocytosis (STX11-fHLH). Identifiers: Orphanet 540, MedGen C1863728, MONDO:0011336, OMIM 603552.
STX11-related disorder. Also called: STX11-related condition.

Allele frequency attached by ClinVar (database versions not stated): TOPMed below 0.00001; ExAC 0.00001.
gnomAD v4.1: 2 of 1,613,552 alleles (0.00012%); highest among the groups gnomAD compares: Non-Finnish European, 0.00017%; no homozygotes.

Submissions (2):

Labcorp Genetics (formerly Invitae), Labcorp
Classification: Likely benign for Familial hemophagocytic lymphohistiocytosis 4. Last evaluated: 2025-06-16. Review status: criteria provided, single submitter. Criteria: Invitae Variant Classification Sherloc (09022015). Collection method: clinical testing. Allele origin: germline.

PreventionGenetics, part of Exact Sciences
Classification: Likely benign for STX11-related condition. Last evaluated: 2023-05-17. Review status: no assertion criteria provided. Collection method: clinical testing. Allele origin: germline. Not counted in ClinVar's aggregate classification.
Comment: This variant is classified as likely benign based on ACMG/AMP sequence variant interpretation guidelines (Richards et al. 2015 PMID: 25741868, with internal and published modifications).

NM_003764.4(STX11):c.447C>T (p.Ala149=)

Gene: STX11 (syntaxin 11; plus strand). Cytogenetic location: 6q24.2.
Variant type: single nucleotide variant.
Coding change: c.447C>T on transcript NM_003764.4 (MANE Select); coding-DNA position 447, C replaced by T.
Protein change: p.Ala149=; no amino-acid change (alanine 149 retained).
Molecular consequence: synonymous variant.
Genome position (GRCh38, 1-based): chr6:144,187,074, C>T. VCF-style: chr6-144187074-C-T. GRCh37 (hg19) VCF-style: chr6-144508211-C-T.
Identifiers: ClinVar variation 2792832 (VCV002792832.5), dbSNP rs759501406, ClinGen allele CA4031714.